The following is an entry in ClinVar:

ClinVar aggregate classification (germline): Uncertain significance (1 of 4 stars; one submission).

Conditions:
Progressive myoclonic epilepsy type 7. Identifiers: Orphanet 435438, MedGen C4015420, MONDO:0014521, OMIM 616187.

Submission:

Labcorp Genetics (formerly Invitae), Labcorp
Classification: Uncertain significance for Progressive myoclonic epilepsy type 7. Last evaluated: 2022-10-03. Review status: criteria provided, single submitter. Criteria: Invitae Variant Classification Sherloc (09022015). Collection method: clinical testing. Allele origin: germline.
Comment: In summary, the available evidence is currently insufficient to determine the role of this variant in disease. Therefore, it has been classified as a Variant of Uncertain Significance. Advanced modeling of protein sequence and biophysical properties (such as structural, functional, and spatial information, amino acid conservation, physicochemical variation, residue mobility, and thermodynamic stability) performed at Invitae indicates that this missense variant is not expected to disrupt KCNC1 protein function. ClinVar contains an entry for this variant (Variation ID: 475346). This variant has not been reported in the literature in individuals affected with KCNC1-related conditions. This variant is not present in population databases (gnomAD no frequency). This sequence change replaces lysine, which is basic and polar, with threonine, which is neutral and polar, at codon 385 of the KCNC1 protein (p.Lys385Thr).

NM_001112741.2(KCNC1):c.1154A>C (p.Lys385Thr)

Gene: KCNC1 (potassium voltage-gated channel subfamily C member 1; plus strand). Cytogenetic location: 11p15.1.
Variant type: single nucleotide variant.
Coding change: c.1154A>C on transcript NM_001112741.2 (MANE Select); coding-DNA position 1154, A replaced by C.
Protein change: p.Lys385Thr; replaces lysine 385 with threonine.
Molecular consequence: missense variant.
Genome position (GRCh38, 1-based): chr11:17,772,248, A>C. VCF-style: chr11-17772248-A-C. GRCh37 (hg19) VCF-style: chr11-17793795-A-C.
Other names: c.1154A>C, p.Lys385Thr (NM_004976.4); short protein forms K385T.
Identifiers: ClinVar variation 475346 (VCV000475346.9), dbSNP rs1554991360, ClinGen allele CA379808435.